The following is an entry in ClinVar:

NM_001035.3(RYR2):c.3599-3C>T

Gene: RYR2 (ryanodine receptor 2; plus strand). Cytogenetic location: 1q43.
Variant type: single nucleotide variant.
Coding change: c.3599-3C>T on transcript NM_001035.3 (MANE Select); 3 bases into the intron before coding-DNA position 3599, C replaced by T.
Molecular consequence: intron variant.
Genome position (GRCh38, 1-based): chr1:237,589,790, C>T. VCF-style: chr1-237589790-C-T. GRCh37 (hg19) VCF-style: chr1-237753090-C-T.
Identifiers: ClinVar variation 1733036 (VCV001733036.3), dbSNP rs776703089, ClinGen allele CA645536028.
Genomic context (GRCh38, chr1:237,589,790, plus strand): 5'-AATTCTATACTAACAGGATCATATACTAATGGTACTAAAACTTGATTTTTTTTTTCTTCC[C>T]AGGATTCATACCTGTGTGTAGCCTTGGAGTGGCTCAAGTGGGTAGGATGAACTTTGGAAA-3'

ClinVar aggregate classification (germline): Uncertain significance. Review status: criteria provided, multiple submitters, no conflicts (2 of 4 stars). 2 submissions from 2 submitters: Uncertain significance (2). Last evaluated 2025-12-14.

Conditions:
Cardiovascular phenotype. Identifiers: MedGen CN230736.
Catecholaminergic polymorphic ventricular tachycardia 1. Also called: VENTRICULAR TACHYCARDIA, CATECHOLAMINERGIC POLYMORPHIC, 1, WITH OR WITHOUT ATRIAL DYSFUNCTION AND/OR DILATED CARDIOMYOPATHY; VENTRICULAR TACHYCARDIA, STRESS-INDUCED POLYMORPHIC 1; RYR2-Related Catecholaminergic Polymorphic Ventricular Tachycardia. Identifiers: Orphanet 3286, MedGen C1631597, MONDO:0011484, OMIM 604772.

Submissions (2):

Labcorp Genetics (formerly Invitae), Labcorp
Classification: Uncertain significance for Catecholaminergic polymorphic ventricular tachycardia 1. Last evaluated: 2025-12-14. Review status: criteria provided, single submitter. Criteria: Invitae Variant Classification Sherloc (09022015). Collection method: clinical testing. Allele origin: germline.
Comment: This sequence change falls in intron 29 of the RYR2 gene. It does not directly change the encoded amino acid sequence of the RYR2 protein. It affects a nucleotide within the consensus splice site. This variant is not present in population databases (gnomAD no frequency). This variant has not been reported in the literature in individuals affected with RYR2-related conditions. ClinVar contains an entry for this variant (Variation ID: 1733036). Variants that disrupt the consensus splice site are a relatively common cause of aberrant splicing (PMID: 17576681, 9536098). Algorithms developed to predict the effect of sequence changes on RNA splicing suggest that this variant is not likely to affect RNA splicing. In summary, the available evidence is currently insufficient to determine the role of this variant in disease. Therefore, it has been classified as a Variant of Uncertain Significance.

Ambry Genetics
Classification: Uncertain significance for Cardiovascular phenotype. Last evaluated: 2018-09-26. Review status: criteria provided, single submitter. Criteria: Ambry Variant Classification Scheme 2023. Collection method: clinical testing. Allele origin: germline.
Comment: The c.3599-3C>T intronic variant results from a C to T substitution 3 nucleotides upstream from coding exon 30 in the RYR2 gene. This nucleotide position is not well conserved in available vertebrate species. Using the BDGP and ESEfinder splice site prediction tools, this alteration is not predicted to have any significant effect on this splice acceptor site; however, direct evidence is unavailable. Since supporting evidence is limited at this time, the clinical significance of this alteration remains unclear.

Literature cited by the submitters: PubMed 17576681 (cited by Labcorp Genetics (formerly Invitae), Labcorp); PubMed 9536098 (cited by Labcorp Genetics (formerly Invitae), Labcorp).